The following is an entry in ClinVar:

ClinVar aggregate classification (germline): Benign/Likely benign. Review status: criteria provided, multiple submitters, no conflicts (2 of 4 stars). 9 submissions from 9 submitters: Benign (5); Likely benign (1). 3 of the submissions do not count toward it. Last evaluated 2026-02-03.

Conditions:
Congenital multicore myopathy with external ophthalmoplegia (CMYO1B). Also called: Congenital myopathy 1B, autosomal recessive; Minicore myopathy; MULTIMINICORE DISEASE WITH EXTERNAL OPHTHALMOPLEGIA; MULTICORE MYOPATHY; Minicore myopathy with external ophthalmoplegia. Identifiers: Orphanet 598, Orphanet 98905, MedGen C1850674, MONDO:0009712, OMIM 255320, HP:0003789.
Malignant hyperthermia, susceptibility to, 1 (MHS1). Also called: RYR1-Related Malignant Hyperthermia Susceptibility; Anesthesia related hyperthermia; Malignant hyperpyrexia; Fulminating hyperpyrexia; Pharmacogenic myopathy; Malignant hyperthermia suceptibility 1. Identifiers: Orphanet 423, MedGen C2930980, MONDO:0007783, OMIM 145600.
Congenital myopathy with fiber type disproportion. Also called: Congenital fiber-type disproportion; Congenital fiber-type disproportion myopathy. Identifiers: Orphanet 2020, MedGen C0546264, MONDO:0009711. Inheritance: all.
King Denborough syndrome (KDS). Identifiers: MedGen C1840365, MONDO:0020485, OMIM 619542.
Central core myopathy (CMYO1A). Also called: Central core disease; Myopathy, central fibrillar; CONGENITAL MYOPATHY 1A, AUTOSOMAL DOMINANT, WITH SUSCEPTIBILITY TO MALIGNANT HYPERTHERMIA. Identifiers: Orphanet 597, MedGen C5830701, MONDO:0007294, OMIM 117000.
RYR1-related disorder. Also called: RYR1-related condition; RYR1-related disorders. Identifiers: MedGen CN239331.

Allele frequency attached by ClinVar (database versions not stated): 1000 Genomes Project 0.00439; 1000 Genomes Project 30x 0.00484; TOPMed 0.01128; gnomAD 0.01220 and 0.01243; gnomAD exomes 0.01254 and 0.01817; ESP Exome Variant Server 0.01499; ExAC 0.01503.
gnomAD v4.1: 28,224 of 1,608,598 alleles (1.8%); highest among the groups gnomAD compares: Non-Finnish European, 2.1%; 278 homozygotes.

Submissions (9):

Labcorp Genetics (formerly Invitae), Labcorp
Classification: Benign for RYR1-related disorder. Last evaluated: 2026-02-03. Review status: criteria provided, single submitter. Criteria: Invitae Variant Classification Sherloc (09022015). Collection method: clinical testing. Allele origin: germline.

ARUP Laboratories, Molecular Genetics and Genomics, ARUP Laboratories
Classification: Benign. Last evaluated: 2025-01-13. Review status: criteria provided, single submitter. Criteria: ARUP Molecular Germline Variant Investigation Process 2024. Collection method: clinical testing. Allele origin: germline.

Fulgent Genetics
Classification: Likely benign for Central core myopathy; Malignant hyperthermia, susceptibility to, 1; Congenital myopathy 4A, autosomal dominant; Congenital multicore myopathy with external ophthalmoplegia; King Denborough syndrome. Last evaluated: 2021-08-11. Review status: criteria provided, single submitter. Criteria: ACMG Guidelines, 2015. Collection method: clinical testing. Allele origin: unknown.

PreventionGenetics, part of Exact Sciences
Classification: Benign. Last evaluated: 2018-03-06. Review status: criteria provided, single submitter. Criteria: ACMG Guidelines, 2015. Collection method: clinical testing. Allele origin: germline.

GeneDx
Classification: Benign. Last evaluated: 2016-02-24. Review status: criteria provided, single submitter. Criteria: GeneDx Variant Classification (06012015). Collection method: clinical testing. Allele origin: germline. Affected: yes.
Comment: This variant is considered likely benign or benign based on one or more of the following criteria: it is a conservative change, it occurs at a poorly conserved position in the protein, it is predicted to be benign by multiple in silico algorithms, and/or has population frequency not consistent with disease.

Breakthrough Genomics
Classification: Benign. Review status: criteria provided, single submitter. Criteria: ACMG Guidelines, 2015. Collection method: not provided. Allele origin: germline. Inheritance: Autosomal recessive inheritance. Affected: yes.

Clinical Genetics, Academic Medical Center
Classification: Benign. Review status: no assertion criteria provided. Collection method: clinical testing. Allele origin: germline. Affected: yes. Study: VKGL Data-share Consensus. Not counted in ClinVar's aggregate classification.

Joint Genome Diagnostic Labs from Nijmegen and Maastricht, Radboudumc and MUMC+
Classification: Benign. Review status: no assertion criteria provided. Collection method: clinical testing. Allele origin: germline. Affected: yes. Study: VKGL Data-share Consensus. Not counted in ClinVar's aggregate classification.

Laboratory of Diagnostic Genome Analysis, Leiden University Medical Center (LUMC)
Classification: Likely benign. Review status: no assertion criteria provided. Collection method: clinical testing. Allele origin: germline. Affected: yes. Study: VKGL Data-share Consensus. Not counted in ClinVar's aggregate classification.

NM_000540.3(RYR1):c.12012+19T>C

Gene: RYR1 (ryanodine receptor 1; plus strand). Cytogenetic location: 19q13.2.
Variant type: single nucleotide variant.
Coding change: c.12012+19T>C on transcript NM_000540.3 (MANE Select); 19 bases into the intron after coding-DNA position 12012, T replaced by C.
Molecular consequence: intron variant.
Genome position (GRCh38, 1-based): chr19:38,543,894, T>C. VCF-style: chr19-38543894-T-C. GRCh37 (hg19) VCF-style: chr19-39034534-T-C.
Other names: c.11997+19T>C (NM_001042723.2).
Identifiers: ClinVar variation 256417 (VCV000256417.26), dbSNP rs181590606, ClinGen allele CA057994.
Genomic context (GRCh38, chr19:38,543,894, plus strand): 5'-TTCCTGCACGTGTTCGCCCACATGATGATGAAGCTCGCTCAGGTTCGAGCCCCTCTGGTC[T>C]CCATCCACCTGCTTCCGGGCGTCCCCCAAGTGGTCCATTTCCAAGTCTTGCCCCTTTGGT-3'